The following is an entry in ClinVar:

ClinVar aggregate classification (germline): Pathogenic (1 of 4 stars; one submission).

Conditions:
Meckel-Gruber syndrome. Also called: DYSENCEPHALIA SPLANCHNOCYSTICA; GRUBER SYNDROME; Dysencephalia splachnocystica. Identifiers: Orphanet 564, MedGen C0265215, MONDO:0018921.
Joubert syndrome. Also called: CEREBELLOPARENCHYMAL DISORDER IV; JOUBERT-BOLTSHAUSER SYNDROME; Familial aplasia of the vermis. Identifiers: Orphanet 475, MedGen C5979921, MONDO:0018772.

Submission:

Labcorp Genetics (formerly Invitae), Labcorp
Classification: Pathogenic for Joubert syndrome; Meckel-Gruber syndrome. Last evaluated: 2022-08-16. Review status: criteria provided, single submitter. Criteria: Invitae Variant Classification Sherloc (09022015). Collection method: clinical testing. Allele origin: germline.
Comment: For these reasons, this variant has been classified as Pathogenic. This variant has not been reported in the literature in individuals affected with TCTN1-related conditions. This variant is a gross deletion of the genomic region encompassing exon(s) 3 of the TCTN1 gene. This deletion is out-of-frame, and is expected to create a premature termination codon and result in an absent or disrupted protein product. Loss-of-function variants in TCTN1 are known to be pathogenic (PMID: 21725307, 22693042, 27894351).

Literature cited by the submitters: PubMed 21725307; PubMed 22693042; PubMed 27894351.

NC_000012.11:g.(?_111064147)_(111064317_?)del

Gene: TCTN1 (tectonic family member 1; plus strand). Cytogenetic location: 12q24.11.
Variant type: Deletion.
Identifiers: ClinVar variation 1455274 (VCV001455274.7).